The following is an entry in ClinVar:

NM_001128840.3(CACNA1D):c.2343G>C (p.Glu781Asp)

Gene: CACNA1D (calcium voltage-gated channel subunit alpha1 D; plus strand). Cytogenetic location: 3p21.1.
Variant type: single nucleotide variant.
Coding change: c.2343G>C on transcript NM_001128840.3 (MANE Select); coding-DNA position 2343, G replaced by C.
Protein change: p.Glu781Asp; replaces glutamic acid 781 with aspartic acid.
Molecular consequence: missense variant.
Genome position (GRCh38, 1-based): chr3:53,731,083, G>C. VCF-style: chr3-53731083-G-C. GRCh37 (hg19) VCF-style: chr3-53765110-G-C.
Other names: c.2403G>C, p.Glu801Asp (NM_000720.4); c.2343G>C, p.Glu781Asp (NM_001128839.3); short protein forms E781D, E801D.
Identifiers: ClinVar variation 1510934 (VCV001510934.6), dbSNP rs2094987282, ClinGen allele CA353240668.

ClinVar aggregate classification (germline): Uncertain significance (1 of 4 stars; one submission).

Allele frequency attached by ClinVar (database versions not stated): gnomAD 0.00001.
gnomAD v4.1: 1 of 1,600,528 alleles (0.000062%); highest among the groups gnomAD compares: African/African-American, 0.0013%; no homozygotes.

Submission:

Labcorp Genetics (formerly Invitae), Labcorp
Classification: Uncertain significance. Last evaluated: 2021-10-05. Review status: criteria provided, single submitter. Criteria: Invitae Variant Classification Sherloc (09022015). Collection method: clinical testing. Allele origin: germline.
Comment: This variant has not been reported in the literature in individuals affected with CACNA1D-related conditions. In summary, the available evidence is currently insufficient to determine the role of this variant in disease. Therefore, it has been classified as a Variant of Uncertain Significance. Algorithms developed to predict the effect of missense changes on protein structure and function (SIFT, PolyPhen-2, Align-GVGD) all suggest that this variant is likely to be tolerated. This variant is not present in population databases (ExAC no frequency). This sequence change replaces glutamic acid with aspartic acid at codon 801 of the CACNA1D protein (p.Glu801Asp). The glutamic acid residue is moderately conserved and there is a small physicochemical difference between glutamic acid and aspartic acid.